The following is an entry in ClinVar:

ClinVar aggregate classification (germline): Uncertain significance. Review status: criteria provided, multiple submitters, no conflicts (2 of 4 stars). 2 submissions from 2 submitters: Uncertain significance (2). Last evaluated 2022-10-04.

Conditions:
Dyskeratosis congenita, autosomal dominant 2. Identifiers: MedGen C3151443, MONDO:0013521, OMIM 613989.
Idiopathic Pulmonary Fibrosis. Also called: Idiopathic fibrosing alveolitis, chronic form; idiopathic fibrosing alveolitis. Identifiers: Orphanet 2032, MedGen C1800706, MeSH D054990, MONDO:0800504.
Dyskeratosis congenita. Identifiers: Orphanet 1775, MedGen C0265965, MONDO:0015780.

Submissions (2):

Labcorp Genetics (formerly Invitae), Labcorp
Classification: Uncertain significance for Dyskeratosis congenita, autosomal dominant 2; Idiopathic Pulmonary Fibrosis. Last evaluated: 2022-10-04. Review status: criteria provided, single submitter. Criteria: Invitae Variant Classification Sherloc (09022015). Collection method: clinical testing. Allele origin: germline.
Comment: This variant is not present in population databases (gnomAD no frequency). This variant has not been reported in the literature in individuals affected with TERT-related conditions. Advanced modeling of protein sequence and biophysical properties (such as structural, functional, and spatial information, amino acid conservation, physicochemical variation, residue mobility, and thermodynamic stability) performed at Invitae indicates that this missense variant is expected to disrupt TERT protein function. In summary, the available evidence is currently insufficient to determine the role of this variant in disease. Therefore, it has been classified as a Variant of Uncertain Significance. This sequence change replaces leucine, which is neutral and non-polar, with valine, which is neutral and non-polar, at codon 676 of the TERT protein (p.Leu676Val).

Ambry Genetics
Classification: Uncertain significance for Dyskeratosis congenita. Last evaluated: 2022-03-29. Review status: criteria provided, single submitter. Criteria: Ambry Variant Classification Scheme 2023. Collection method: clinical testing. Allele origin: germline.
Comment: The p.L676V variant (also known as c.2026C>G), located in coding exon 5 of the TERT gene, results from a C to G substitution at nucleotide position 2026. The leucine at codon 676 is replaced by valine, an amino acid with highly similar properties. This amino acid position is conserved. In addition, the in silico prediction for this alteration is inconclusive. Since supporting evidence is limited at this time, the clinical significance of this alteration remains unclear.

NM_198253.3(TERT):c.2026C>G (p.Leu676Val)

Gene: TERT (telomerase reverse transcriptase; minus strand). Cytogenetic location: 5p15.33.
Variant type: single nucleotide variant.
Coding change: c.2026C>G on transcript NM_198253.3 (MANE Select); coding-DNA position 2026, C replaced by G.
Protein change: p.Leu676Val; replaces leucine 676 with valine.
Molecular consequence: missense variant. On other transcripts: non-coding transcript variant (2).
Genome position (GRCh38, 1-based): chr5:1,279,395, G>C on the plus strand (C>G on the coding strand, the complement: TERT is on the minus strand). VCF-style: chr5-1279395-G-C. GRCh37 (hg19) VCF-style: chr5-1279510-G-C.
Other names: c.2026C>G, p.Leu676Val (NM_001193376.3, NM_003219.1); short protein forms L676V.
Identifiers: ClinVar variation 1784655 (VCV001784655.7), dbSNP rs1295347738, ClinGen allele CA359080360.